The following is an entry in ClinVar:

NM_001267550.2(TTN):c.34092A>T (p.Leu11364=)

Gene: TTN (titin; minus strand). Cytogenetic location: 2q31.2.
Variant type: single nucleotide variant.
Coding change: c.34092A>T on transcript NM_001267550.2 (MANE Select); coding-DNA position 34092, A replaced by T.
Protein change: p.Leu11364=; no amino-acid change (leucine 11364 retained).
Molecular consequence: synonymous variant. On other transcripts: intron variant (3).
Genome position (GRCh38, 1-based): chr2:178,677,820, T>A on the plus strand (A>T on the coding strand, the complement: TTN is on the minus strand). VCF-style: chr2-178677820-T-A. GRCh37 (hg19) VCF-style: chr2-179542547-T-A.
Other names: c.33141A>T, p.Leu11047= (NM_001256850.1); c.30360A>T, p.Leu10120= (NM_133378.4); c.13283-35503A>T (NM_003319.4); c.13859-35503A>T (NM_133437.4); c.13658-35503A>T (NM_133432.3).
Identifiers: ClinVar variation 500393 (VCV000500393.44), dbSNP rs765888527, ClinGen allele CA1998140.

ClinVar aggregate classification (germline): Conflicting classifications of pathogenicity. Review status: criteria provided, conflicting classifications (1 of 4 stars). 4 submissions from 4 submitters: Uncertain significance (1); Likely benign (3). Last evaluated 2026-08-01.

Conditions:
Autosomal recessive limb-girdle muscular dystrophy type 2J (LGMDR10). Also called: MUSCULAR DYSTROPHY, LIMB-GIRDLE, AUTOSOMAL RECESSIVE 10; Limb-girdle muscular dystrophy, type 2J. Identifiers: Orphanet 140922, MedGen C1837342, MONDO:0012127, OMIM 608807.
Dilated cardiomyopathy 1G (CMD1G). Identifiers: Orphanet 154, MedGen C1858763, MONDO:0011400, OMIM 604145.

Allele frequency attached by ClinVar (database versions not stated): TOPMed 0.00002.
gnomAD v4.1: 17 of 1,612,734 alleles (0.0011%); highest among the groups gnomAD compares: Non-Finnish European, 0.0014%; no homozygotes.

Submissions (4):

CeGaT Center for Human Genetics Tuebingen
Classification: Likely benign. Last evaluated: 2026-08-01. Review status: criteria provided, single submitter. Criteria: CeGaT Center For Human Genetics Tuebingen Variant Classification Criteria Version 2. Collection method: clinical testing. Allele origin: germline. Affected: yes. Observed: 3 variant alleles.
Comment: TTN: BP4, BP7

Labcorp Genetics (formerly Invitae), Labcorp
Classification: Likely benign for Dilated cardiomyopathy 1G; Autosomal recessive limb-girdle muscular dystrophy type 2J. Last evaluated: 2025-03-27. Review status: criteria provided, single submitter. Criteria: Invitae Variant Classification Sherloc (09022015). Collection method: clinical testing. Allele origin: germline.

GeneDx
Classification: Likely benign. Last evaluated: 2020-11-19. Review status: criteria provided, single submitter. Criteria: GeneDx Variant Classification Process June 2021. Collection method: clinical testing. Allele origin: germline. Affected: yes.

Eurofins Ntd Llc (ga)
Classification: Uncertain significance. Last evaluated: 2017-02-07. Review status: criteria provided, single submitter. Criteria: EGL Classification Definitions 2015. Collection method: clinical testing. Allele origin: germline. Observed: 2 variant alleles, 2 heterozygotes.